The following is an entry in ClinVar:

NM_001242.5(CD27):c.488T>C (p.Leu163Pro)

Genes: CD27 (CD27 molecule; plus strand), CD27-AS1 (CD27 antisense RNA 1; minus strand). Cytogenetic location: 12p13.31.
Variant type: single nucleotide variant.
Coding change: c.488T>C on transcript NM_001242.5 (MANE Select); coding-DNA position 488, T replaced by C.
Protein change: p.Leu163Pro; replaces leucine 163 with proline.
Molecular consequence: missense variant. On other transcripts: non-coding transcript variant (1).
Genome position (GRCh38, 1-based): chr12:6,450,580, T>C. VCF-style: chr12-6450580-T-C. GRCh37 (hg19) VCF-style: chr12-6559746-T-C.
Other names: short protein forms L163P.
Identifiers: ClinVar variation 656369 (VCV000656369.7), dbSNP rs958102669, ClinGen allele CA232322224.

ClinVar aggregate classification (germline): Uncertain significance. Review status: criteria provided, multiple submitters, no conflicts (2 of 4 stars). 2 submissions from 2 submitters: Uncertain significance (2). Last evaluated 2022-11-01.

Conditions:
Inborn genetic diseases. Identifiers: MedGen C0950123, MeSH D030342.
Lymphoproliferative syndrome 2 (LPFS2). Also called: Combined immunodeficiency due to CD27 deficiency; CD27 DEFICIENCY. Identifiers: Orphanet 238505, MedGen C3554540, MONDO:0014054, OMIM 615122.

Allele frequency attached by ClinVar (database versions not stated): gnomAD exomes 0.00002; gnomAD 0.00005 and 0.00006; TOPMed 0.00018.
gnomAD v4.1: 23 of 1,613,368 alleles (0.0014%); highest among the groups gnomAD compares: Admixed American, 0.027%; no homozygotes.

Submissions (2):

Labcorp Genetics (formerly Invitae), Labcorp
Classification: Uncertain significance for Lymphoproliferative syndrome 2. Last evaluated: 2022-11-01. Review status: criteria provided, single submitter. Criteria: Invitae Variant Classification Sherloc (09022015). Collection method: clinical testing. Allele origin: germline.
Comment: This sequence change replaces leucine, which is neutral and non-polar, with proline, which is neutral and non-polar, at codon 163 of the CD27 protein (p.Leu163Pro). This variant is present in population databases (no rsID available, gnomAD 0.006%). This variant has not been reported in the literature in individuals affected with CD27-related conditions. ClinVar contains an entry for this variant (Variation ID: 656369). Advanced modeling of protein sequence and biophysical properties (such as structural, functional, and spatial information, amino acid conservation, physicochemical variation, residue mobility, and thermodynamic stability) performed at Invitae indicates that this missense variant is not expected to disrupt CD27 protein function. In summary, the available evidence is currently insufficient to determine the role of this variant in disease. Therefore, it has been classified as a Variant of Uncertain Significance.

Ambry Genetics
Classification: Uncertain significance for Inborn genetic diseases. Last evaluated: 2021-08-30. Review status: criteria provided, single submitter. Criteria: Ambry Variant Classification Scheme 2023. Collection method: clinical testing. Allele origin: germline.